The following is an entry in ClinVar:

ClinVar aggregate classification (germline): Uncertain significance (1 of 4 stars; one submission).

Conditions:
Episodic kinesigenic dyskinesia (EKD). Also called: Paroxysmal kinesigenic dyskinesia. Identifiers: Orphanet 98809, MedGen C1868682, MONDO:0044202.

Submission:

Labcorp Genetics (formerly Invitae), Labcorp
Classification: Uncertain significance for Episodic kinesigenic dyskinesia. Last evaluated: 2024-06-05. Review status: criteria provided, single submitter. Criteria: Invitae Variant Classification Sherloc (09022015). Collection method: clinical testing. Allele origin: germline.
Comment: This variant, c.492_493delinsCC, is a complex sequence change that results in the deletion of 2 and insertion of 2 amino acid(s) in the PRRT2 protein (p.Glu164_Asp165delinsAspHis). Information on the frequency of this variant in the gnomAD database is not available, as this variant may be reported differently in the database. This variant has not been reported in the literature in individuals affected with PRRT2-related conditions. Experimental studies and prediction algorithms are not available or were not evaluated, and the functional significance of this variant is currently unknown. In summary, the available evidence is currently insufficient to determine the role of this variant in disease. Therefore, it has been classified as a Variant of Uncertain Significance.

NM_145239.3(PRRT2):c.492_493inv (p.Glu164_Asp165delinsAspHis)

Genes: MVP-DT (MVP divergent transcript; minus strand), PRRT2 (proline rich transmembrane protein 2; plus strand). Cytogenetic location: 16p11.2.
Variant type: Inversion.
Coding change: c.492_493inv on transcript NM_145239.3 (MANE Select).
Protein change: p.Glu164_Asp165delinsAspHis.
Molecular consequence: missense variant.
Genome position: GRCh38 VCF-style: chr16-29813546-GG-CC. GRCh37 (hg19) VCF-style: chr16-29824867-GG-CC.
Other names: c.492_493inv, p.Glu164_Asp165delinsAspHis (NM_001256442.2, NM_001256443.2).
Identifiers: ClinVar variation 3655695 (VCV003655695.2).
Genomic context (GRCh38, chr16:29,813,546, plus strand): 5'-CCGGCCAGATTCCCAGCCTACCCCCAAGCCAGCCCTTCAACCAGAGCTCCCTACCCAGGA[GG>CC]ACCCCACCCCTGAGATTCTGTCTGAGAGTGTAGGGGAAAAGCAAGAGAATGGGGCAGTGG-3'